The following is an entry in ClinVar:

ClinVar aggregate classification (germline): Likely benign (1 of 4 stars; one submission).

gnomAD v4.1: 1 of 1,601,084 alleles (0.000062%); highest among the groups gnomAD compares: Non-Finnish European, 0.000085%; no homozygotes.

Submission:

CeGaT Center for Human Genetics Tuebingen
Classification: Likely benign. Last evaluated: 2024-10-01. Review status: criteria provided, single submitter. Criteria: CeGaT Center For Human Genetics Tuebingen Variant Classification Criteria Version 2. Collection method: clinical testing. Allele origin: germline. Affected: yes. Observed: 1 variant allele.
Comment: TSKS: BP4, BP7

NM_021733.2(TSKS):c.723C>A (p.Ala241=)

Gene: TSKS (testis specific serine kinase substrate; minus strand). Cytogenetic location: 19q13.33.
Variant type: single nucleotide variant.
Coding change: c.723C>A on transcript NM_021733.2 (MANE Select); coding-DNA position 723, C replaced by A.
Protein change: p.Ala241=; no amino-acid change (alanine 241 retained).
Molecular consequence: synonymous variant.
Genome position (GRCh38, 1-based): chr19:49,746,739, G>T on the plus strand (C>A on the coding strand, the complement: TSKS is on the minus strand). VCF-style: chr19-49746739-G-T. GRCh37 (hg19) VCF-style: chr19-50249996-G-T.
Identifiers: ClinVar variation 3390006 (VCV003390006.14).